The following is an entry in ClinVar:

ClinVar aggregate classification (germline): Benign/Likely benign. Review status: criteria provided, multiple submitters, no conflicts (2 of 4 stars). 5 submissions from 5 submitters: Benign (1); Likely benign (4). Last evaluated 2025-09-22.

Conditions:
Hereditary cancer-predisposing syndrome. Also called: Neoplastic Syndromes, Hereditary; Tumor predisposition; Hereditary Cancer Syndrome; Hereditary neoplastic syndrome. Identifiers: Orphanet 140162, MedGen C0027672, MeSH D009386, MONDO:0015356.
Familial cancer of breast. Also called: BREAST CANCER, FAMILIAL; Hereditary breast cancer; hereditary breast carcinoma. Identifiers: Orphanet 227535, MedGen C0346153, MONDO:0016419, OMIM 114480. Disease mechanism: loss of function.

Allele frequency attached by ClinVar (database versions not stated): TOPMed below 0.00001; gnomAD 0.00001; gnomAD exomes 0.00001 and 0.00002; ExAC 0.00003.
gnomAD v4.1: 16 of 1,613,628 alleles (0.00099%); highest among the groups gnomAD compares: South Asian, 0.0088%; no homozygotes.

Submissions (5):

Labcorp Genetics (formerly Invitae), Labcorp
Classification: Likely benign for Familial cancer of breast. Last evaluated: 2025-09-22. Review status: criteria provided, single submitter. Criteria: Invitae Variant Classification Sherloc (09022015). Collection method: clinical testing. Allele origin: germline.

Myriad Genetics, Inc.
Classification: Benign for Familial cancer of breast. Last evaluated: 2024-07-26. Review status: criteria provided, single submitter. Criteria: Myriad Autosomal Dominant, Autosomal Recessive and X-Linked Classification Criteria (2023). Collection method: clinical testing. Allele origin: unknown.
Comment: This variant is considered benign. This variant is a silent/synonymous amino acid change and it is not expected to impact splicing.

Quest Diagnostics Nichols Institute San Juan Capistrano
Classification: Likely benign. Last evaluated: 2020-07-30. Review status: criteria provided, single submitter. Criteria: Quest Diagnostics criteria. Collection method: clinical testing. Allele origin: unknown.

Ambry Genetics
Classification: Likely benign for Hereditary cancer-predisposing syndrome. Last evaluated: 2019-11-23. Review status: criteria provided, single submitter. Criteria: Ambry Variant Classification Scheme 2023. Collection method: clinical testing. Allele origin: germline.

Color Diagnostics, LLC DBA Color Health
Classification: Likely benign for Hereditary cancer-predisposing syndrome. Last evaluated: 2019-01-28. Review status: criteria provided, single submitter. Criteria: ACMG Guidelines, 2015. Collection method: clinical testing. Allele origin: germline.

NM_000465.4(BARD1):c.1629G>A (p.Leu543=)

Gene: BARD1 (BRCA1 associated RING domain 1; minus strand). Cytogenetic location: 2q35.
Variant type: single nucleotide variant.
Coding change: c.1629G>A on transcript NM_000465.4 (MANE Select); coding-DNA position 1629, G replaced by A.
Protein change: p.Leu543=; no amino-acid change (leucine 543 retained).
Molecular consequence: synonymous variant. On other transcripts: non-coding transcript variant (3), intron variant (1).
Genome position (GRCh38, 1-based): chr2:214,752,495, C>T on the plus strand (G>A on the coding strand, the complement: BARD1 is on the minus strand). VCF-style: chr2-214752495-C-T. GRCh37 (hg19) VCF-style: chr2-215617219-C-T.
Other names: c.1572G>A, p.Leu524= (NM_001282543.2); c.276G>A, p.Leu92= (NM_001282545.2); c.219G>A, p.Leu73= (NM_001282548.2); c.365-21987G>A (NM_001282549.2).
Identifiers: ClinVar variation 819705 (VCV000819705.18), dbSNP rs748646220, ClinGen allele CA2090207.